The following is an entry in ClinVar:

ClinVar aggregate classification (germline): Uncertain significance (1 of 4 stars; one submission).

Conditions:
Familial adenomatous polyposis 1 (FAP1). Also called: FAMILIAL ADENOMATOUS POLYPOSIS 1, ATTENUATED; POLYPOSIS, ADENOMATOUS INTESTINAL. Identifiers: MedGen C2713442, MONDO:0021056, OMIM 175100. Disease mechanism: loss of function.

gnomAD v4.1: 2 of 1,613,820 alleles (0.00012%); highest among the groups gnomAD compares: Admixed American, 0.0033%; no homozygotes.

Submission:

Labcorp Genetics (formerly Invitae), Labcorp
Classification: Uncertain significance for Familial adenomatous polyposis 1. Last evaluated: 2022-08-23. Review status: criteria provided, single submitter. Criteria: Invitae Variant Classification Sherloc (09022015). Collection method: clinical testing. Allele origin: germline.
Comment: This sequence change replaces proline, which is neutral and non-polar, with threonine, which is neutral and polar, at codon 1992 of the APC protein (p.Pro1992Thr). This variant is present in population databases (no rsID available, gnomAD 0.006%). This variant has not been reported in the literature in individuals affected with APC-related conditions. Algorithms developed to predict the effect of missense changes on protein structure and function (SIFT, PolyPhen-2, Align-GVGD) all suggest that this variant is likely to be tolerated. In summary, the available evidence is currently insufficient to determine the role of this variant in disease. Therefore, it has been classified as a Variant of Uncertain Significance.

NM_000038.6(APC):c.5974C>A (p.Pro1992Thr)

Gene: APC (APC regulator of Wnt signaling pathway; plus strand). Cytogenetic location: 5q22.2.
Variant type: single nucleotide variant.
Coding change: c.5974C>A on transcript NM_000038.6 (MANE Select); coding-DNA position 5974, C replaced by A.
Protein change: p.Pro1992Thr; replaces proline 1992 with threonine.
Molecular consequence: missense variant.
Genome position (GRCh38, 1-based): chr5:112,841,568, C>A. VCF-style: chr5-112841568-C-A. GRCh37 (hg19) VCF-style: chr5-112177265-C-A.
Other names: c.5974C>A, p.Pro1992Thr (NM_001407450.1, NM_001127510.3, NM_001354895.2); c.5953C>A, p.Pro1985Thr (NM_001407451.1); c.5944C>A, p.Pro1982Thr (NM_001407452.1); c.5797C>A, p.Pro1933Thr (NM_001407453.1, NM_001354901.2); c.5725C>A, p.Pro1909Thr (NM_001407456.1, NM_001407454.1, NM_001407455.1 and 1 more transcripts); c.5671C>A, p.Pro1891Thr (NM_001407458.1, NM_001407459.1, NM_001354903.2 and 1 more transcripts); c.5920C>A, p.Pro1974Thr (NM_001127511.3); c.6028C>A, p.Pro2010Thr (NM_001354896.2, NM_001407447.1, NM_001407448.1 and 1 more transcripts); and 11 more; short protein forms P1608T, P1709T, P1832T, P1863T, P1866T, P1891T, P1901T, P1909T.
Identifiers: ClinVar variation 1717837 (VCV001717837.6), dbSNP rs749833343, ClinGen allele CA16034410.